The following is an entry in ClinVar:

ClinVar aggregate classification (germline): Likely benign. Review status: criteria provided, multiple submitters, no conflicts (2 of 4 stars). 2 submissions from 2 submitters: Likely benign (2). Last evaluated 2025-11-22.

Allele frequency attached by ClinVar (database versions not stated): 1000 Genomes Project 30x 0.00016; ESP Exome Variant Server 0.00016; 1000 Genomes Project 0.00020; TOPMed 0.00031; gnomAD 0.00033; gnomAD exomes 0.00041; ExAC 0.00055.
gnomAD v4.1: 671 of 1,604,876 alleles (0.042%); highest among the groups gnomAD compares: Middle Eastern, 1.4%; 3 homozygotes.

Submissions (2):

Labcorp Genetics (formerly Invitae), Labcorp
Classification: Likely benign. Last evaluated: 2025-11-22. Review status: criteria provided, single submitter. Criteria: Invitae Variant Classification Sherloc (09022015). Collection method: clinical testing. Allele origin: germline.

CeGaT Center for Human Genetics Tuebingen
Classification: Likely benign. Last evaluated: 2023-01-01. Review status: criteria provided, single submitter. Criteria: CeGaT Center For Human Genetics Tuebingen Variant Classification Criteria Version 2. Collection method: clinical testing. Allele origin: germline. Affected: yes. Observed: 1 variant allele.
Comment: TNK2: BP4, BP7

NM_001382273.1(TNK2):c.2919A>G (p.Pro973=)

Gene: TNK2 (tyrosine kinase non receptor 2; minus strand). Cytogenetic location: 3q29.
Variant type: single nucleotide variant.
Coding change: c.2919A>G on transcript NM_001382273.1 (MANE Select); coding-DNA position 2919, A replaced by G.
Protein change: p.Pro973=; no amino-acid change (proline 973 retained).
Molecular consequence: synonymous variant. On other transcripts: non-coding transcript variant (15).
Genome position (GRCh38, 1-based): chr3:195,867,379, T>C on the plus strand (A>G on the coding strand, the complement: TNK2 is on the minus strand). VCF-style: chr3-195867379-T-C. GRCh37 (hg19) VCF-style: chr3-195594250-T-C.
Other names: c.2946A>G, p.Pro982= (NM_001387715.1, NM_001387708.1); c.2919A>G, p.Pro973= (NM_001387716.1, NM_001387717.1, NM_001387718.1 and 1 more transcripts); c.2874A>G, p.Pro958= (NM_001387719.1, NM_001387720.1, NM_001387721.1 and 8 more transcripts); c.3015A>G, p.Pro1005= (NM_001382275.1, NM_001387707.1); c.2991A>G, p.Pro997= (NM_001010938.2, NM_001382272.1); c.2970A>G, p.Pro990= (NM_001308046.2, NM_001382271.1).
Identifiers: ClinVar variation 2654500 (VCV002654500.27), dbSNP rs373134167, ClinGen allele CA2775773.